The following is an entry in ClinVar:

NM_032242.4(PLXNA1):c.48G>A (p.Leu16=)

Gene: PLXNA1 (plexin A1; plus strand). Cytogenetic location: 3q21.3.
Variant type: single nucleotide variant.
Coding change: c.48G>A on transcript NM_032242.4 (MANE Select); coding-DNA position 48, G replaced by A.
Protein change: p.Leu16=; no amino-acid change (leucine 16 retained).
Molecular consequence: synonymous variant.
Genome position (GRCh38, 1-based): chr3:126,988,641, G>A. VCF-style: chr3-126988641-G-A. GRCh37 (hg19) VCF-style: chr3-126707484-G-A.
Identifiers: ClinVar variation 3351289 (VCV003351289.1).

ClinVar aggregate classification (germline): Likely benign (0 of 4 stars; one submission).

Conditions:
PLXNA1-related disorder. Also called: PLXNA1-related condition.

gnomAD v4.1: 1 of 1,577,040 alleles (0.000063%); highest among the groups gnomAD compares: African/African-American, 0.0013%; no homozygotes.

Submission:

PreventionGenetics, part of Exact Sciences
Classification: Likely benign for PLXNA1-related condition. Last evaluated: 2022-08-08. Review status: no assertion criteria provided. Collection method: clinical testing. Allele origin: germline.
Comment: This variant is classified as likely benign based on ACMG/AMP sequence variant interpretation guidelines (Richards et al. 2015 PMID: 25741868, with internal and published modifications).